The following is an entry in ClinVar:

ClinVar aggregate classification (germline): Uncertain significance (1 of 4 stars; one submission).

Conditions:
Inborn genetic diseases. Identifiers: MedGen C0950123, MeSH D030342.

Submission:

Ambry Genetics
Classification: Uncertain significance for Inborn genetic diseases. Last evaluated: 2025-05-11. Review status: criteria provided, single submitter. Criteria: Ambry Variant Classification Scheme 2023. Collection method: clinical testing. Allele origin: germline.
Comment: The p.M43T variant (also known as c.128T>C), located in coding exon 2 of the ETV6 gene, results from a T to C substitution at nucleotide position 128. The methionine at codon 43 is replaced by threonine, an amino acid with similar properties. This amino acid position is conserved. In addition, the in silico prediction for this alteration is inconclusive. Based on the available evidence, the clinical significance of this variant remains unclear.

NM_001987.5(ETV6):c.128T>C (p.Met43Thr)

Gene: ETV6 (ETS variant transcription factor 6; plus strand). Cytogenetic location: 12p13.2.
Variant type: single nucleotide variant.
Coding change: c.128T>C on transcript NM_001987.5 (MANE Select); coding-DNA position 128, T replaced by C.
Protein change: p.Met43Thr; replaces methionine 43 with threonine.
Molecular consequence: missense variant. On other transcripts: intron variant (1).
Genome position (GRCh38, 1-based): chr12:11,752,544, T>C. VCF-style: chr12-11752544-T-C. GRCh37 (hg19) VCF-style: chr12-11905478-T-C.
Other names: c.125T>C, p.Met42Thr (NM_001413913.1); c.101T>C, p.Met34Thr (NM_001413914.1); c.128T>C, p.Met43Thr (NM_001413916.1, NM_001413917.1, NM_001413918.1); c.-101-86596T>C (NM_001413915.1); short protein forms M43T, M34T, M42T.
Identifiers: ClinVar variation 4020098 (VCV004020098.1).